The following is an entry in ClinVar:

ClinVar aggregate classification (germline): Uncertain significance (1 of 4 stars; one submission).

Conditions:
Fanconi anemia complementation group J. Also called: BRIP1-Related Fanconi Anemia. Identifiers: Orphanet 84, MedGen C1836860, MONDO:0012187, OMIM 609054.
Familial cancer of breast. Also called: hereditary breast carcinoma; BREAST CANCER, FAMILIAL; Hereditary breast cancer. Identifiers: Orphanet 227535, MedGen C0346153, MONDO:0016419, OMIM 114480. Disease mechanism: loss of function.

Submission:

Labcorp Genetics (formerly Invitae), Labcorp
Classification: Uncertain significance for Familial cancer of breast; Fanconi anemia complementation group J. Last evaluated: 2023-12-22. Review status: criteria provided, single submitter. Criteria: Invitae Variant Classification Sherloc (09022015). Collection method: clinical testing. Allele origin: germline.
Comment: This sequence change replaces cysteine, which is neutral and slightly polar, with glycine, which is neutral and non-polar, at codon 442 of the BRIP1 protein (p.Cys442Gly). This variant is not present in population databases (gnomAD no frequency). This variant has not been reported in the literature in individuals affected with BRIP1-related conditions. Advanced modeling of protein sequence and biophysical properties (such as structural, functional, and spatial information, amino acid conservation, physicochemical variation, residue mobility, and thermodynamic stability) performed at Invitae indicates that this missense variant is expected to disrupt BRIP1 protein function with a positive predictive value of 80%. In summary, the available evidence is currently insufficient to determine the role of this variant in disease. Therefore, it has been classified as a Variant of Uncertain Significance.

NM_032043.3(BRIP1):c.1324T>G (p.Cys442Gly)

Gene: BRIP1 (BRCA1 interacting DNA helicase 1; minus strand). Cytogenetic location: 17q23.2.
Variant type: single nucleotide variant.
Coding change: c.1324T>G on transcript NM_032043.3 (MANE Select); coding-DNA position 1324, T replaced by G.
Protein change: p.Cys442Gly; replaces cysteine 442 with glycine.
Molecular consequence: missense variant.
Genome position (GRCh38, 1-based): chr17:61,799,116, A>C on the plus strand (T>G on the coding strand, the complement: BRIP1 is on the minus strand). VCF-style: chr17-61799116-A-C. GRCh37 (hg19) VCF-style: chr17-59876477-A-C.
Other names: short protein forms C442G.
Identifiers: ClinVar variation 2921649 (VCV002921649.3), dbSNP rs1603342146, ClinGen allele CA400483381.